The following is an entry in ClinVar:

NM_000795.4(DRD2):c.741C>T (p.Pro247=)

Gene: DRD2 (dopamine receptor D2; minus strand). Cytogenetic location: 11q23.2.
Variant type: single nucleotide variant.
Coding change: c.741C>T on transcript NM_000795.4 (MANE Select); coding-DNA position 741, C replaced by T.
Protein change: p.Pro247=; no amino-acid change (proline 247 retained).
Molecular consequence: synonymous variant. On other transcripts: intron variant (1).
Genome position (GRCh38, 1-based): chr11:113,414,444, G>A on the plus strand (C>T on the coding strand, the complement: DRD2 is on the minus strand). VCF-style: chr11-113414444-G-A. GRCh37 (hg19) VCF-style: chr11-113285166-G-A.
Other names: c.723+977C>T (NM_016574.4).
Identifiers: ClinVar variation 695880 (VCV000695880.20), dbSNP rs80350280, ClinGen allele CA6281310.

ClinVar aggregate classification (germline): Benign/Likely benign. Review status: criteria provided, multiple submitters, no conflicts (2 of 4 stars). 4 submissions from 4 submitters: Benign (2); Likely benign (2). Last evaluated 2026-06-03.

Conditions:
Dystonic disorder. Also called: Dystonia. Identifiers: MedGen C0013421, MONDO:0003441, HP:0001332.
DRD2-related condition.

Allele frequency attached by ClinVar (database versions not stated): 1000 Genomes Project 0.00040; 1000 Genomes Project 30x 0.00047; TOPMed 0.00185; ESP Exome Variant Server 0.00192.
gnomAD v4.1: 1,517 of 1,614,150 alleles (0.094%); highest among the groups gnomAD compares: African/African-American, 0.51%; 1 homozygote.

Submissions (4):

PreventionGenetics, part of Exact Sciences
Classification: Likely benign for DRD2-related condition. Last evaluated: 2026-06-03. Review status: criteria provided, single submitter. Criteria: ACMG Guidelines, 2015. Collection method: clinical testing. Allele origin: germline.
Comment: This variant is classified as likely benign based on ACMG/AMP sequence variant interpretation guidelines (Richards et al. 2015 PMID: 25741868, with internal and published modifications).

Labcorp Genetics (formerly Invitae), Labcorp
Classification: Benign for Dystonic disorder. Last evaluated: 2026-01-05. Review status: criteria provided, single submitter. Criteria: Invitae Variant Classification Sherloc (09022015). Collection method: clinical testing. Allele origin: germline.

CeGaT Center for Human Genetics Tuebingen
Classification: Likely benign. Last evaluated: 2025-09-01. Review status: criteria provided, single submitter. Criteria: CeGaT Center For Human Genetics Tuebingen Variant Classification Criteria Version 2. Collection method: clinical testing. Allele origin: germline. Affected: yes. Observed: 1 variant allele.
Comment: DRD2: BP4, BP7

Breakthrough Genomics
Classification: Benign. Review status: criteria provided, single submitter. Criteria: ACMG Guidelines, 2015. Collection method: not provided. Allele origin: germline. Inheritance: Unknown mechanism. Affected: yes.